The following is an entry in ClinVar:

ClinVar aggregate classification (germline): Conflicting classifications of pathogenicity. Review status: criteria provided, conflicting classifications (1 of 4 stars). 4 submissions from 4 submitters: Uncertain significance (3); Likely benign (1). Last evaluated 2024-06-26.

Conditions:
Inborn genetic diseases. Identifiers: MedGen C0950123, MeSH D030342.
Intellectual developmental disorder, autosomal recessive 3. Also called: Intellectual disability, autosomal recessive 3. Identifiers: Orphanet 88616, MedGen C1838023, MONDO:0012037, OMIM 608443.

Allele frequency attached by ClinVar (database versions not stated): 1000 Genomes Project 30x 0.00016; ESP Exome Variant Server 0.00008; 1000 Genomes Project 0.00020.
gnomAD v4.1: 117 of 1,542,248 alleles (0.0076%); highest among the groups gnomAD compares: East Asian, 0.041%; no homozygotes.

Submissions (4):

GeneDx
Classification: Uncertain significance. Last evaluated: 2024-06-26. Review status: criteria provided, single submitter. Criteria: GeneDx Variant Classification Process June 2021. Collection method: clinical testing. Allele origin: germline. Affected: yes.
Comment: In silico analysis indicates that this missense variant does not alter protein structure/function; Has not been previously published as pathogenic or benign to our knowledge

Blueprint Genetics
Classification: Uncertain significance. Last evaluated: 2024-03-05. Review status: criteria provided, single submitter. Criteria: ACMG Guidelines, 2015. Collection method: clinical testing. Allele origin: germline.

Ambry Genetics
Classification: Likely benign for Inborn genetic diseases. Last evaluated: 2023-06-29. Review status: criteria provided, single submitter. Criteria: Ambry Variant Classification Scheme 2023. Collection method: clinical testing. Allele origin: germline.

Revvity Omics, Revvity
Classification: Uncertain significance for Intellectual developmental disorder, autosomal recessive 3. Last evaluated: 2019-07-12. Review status: criteria provided, single submitter. Criteria: ACMG Guidelines, 2015. Collection method: clinical testing. Allele origin: germline.

NM_017721.5(CC2D1A):c.2705G>A (p.Arg902Gln)

Gene: CC2D1A (coiled-coil and C2 domain containing 1A; plus strand). Cytogenetic location: 19p13.12.
Variant type: single nucleotide variant.
Coding change: c.2705G>A on transcript NM_017721.5 (MANE Select); coding-DNA position 2705, G replaced by A.
Protein change: p.Arg902Gln; replaces arginine 902 with glutamine.
Molecular consequence: missense variant.
Genome position (GRCh38, 1-based): chr19:13,929,655, G>A. VCF-style: chr19-13929655-G-A. GRCh37 (hg19) VCF-style: chr19-14040468-G-A.
Other names: c.2702G>A, p.Arg901Gln (NM_001411138.1); short protein forms R902Q, R901Q.
Identifiers: ClinVar variation 1794973 (VCV001794973.7), dbSNP rs368221981, ClinGen allele CA9245182.